The following is an entry in ClinVar:

NM_001378418.1(TCF20):c.4103C>A (p.Ala1368Glu)

Gene: TCF20 (transcription factor 20; minus strand). Cytogenetic location: 22q13.2.
Variant type: single nucleotide variant.
Coding change: c.4103C>A on transcript NM_001378418.1 (MANE Select); coding-DNA position 4103, C replaced by A.
Protein change: p.Ala1368Glu; replaces alanine 1368 with glutamic acid.
Molecular consequence: missense variant.
Genome position (GRCh38, 1-based): chr22:42,211,203, G>T on the plus strand (C>A on the coding strand, the complement: TCF20 is on the minus strand). VCF-style: chr22-42211203-G-T. GRCh37 (hg19) VCF-style: chr22-42607209-G-T.
Other names: c.4103C>A, p.Ala1368Glu (NM_005650.4, NM_181492.3); short protein forms A1368E.
Identifiers: ClinVar variation 3367015 (VCV003367015.1).
Genomic context (GRCh38, chr22:42,211,203, plus strand): 5'-AAAGACAGTATATCATCAAGCGTAACCGTGTCTCCCCCAGCCTCCGCACTGTTCGAAGAT[G>T]CGCTCCTCCTAATATTTGGGGATGTAATCTTCTGAACTATAGCTTCCAATTTCAATCCCC-3'
Protein context (NP_001365347.1, residues 1358-1378): KITSPNIRRS[Ala1368Glu]SSNSAEAGGD

ClinVar aggregate classification (germline): Uncertain significance (1 of 4 stars; one submission).

Conditions:
Developmental delay with variable intellectual impairment and behavioral abnormalities. Identifiers: MedGen C5193092, MONDO:0032745, OMIM 618430.

gnomAD v4.1: 2 of 1,614,038 alleles (0.00012%); highest among the groups gnomAD compares: African/African-American, 0.0027%; no homozygotes.

Submission:

Neuberg Centre For Genomic Medicine, NCGM
Classification: Uncertain significance for Developmental delay with variable intellectual impairment and behavioral abnormalities. Last evaluated: 2023-05-20. Review status: criteria provided, single submitter. Criteria: ACMG Guidelines, 2015. Collection method: clinical testing. Allele origin: germline. Inheritance: Autosomal dominant inheritance. Affected: yes.
Comment: The observed missense c.4103C>A(p.Ala1368Glu) variant in TCF20 gene has not been reported previously as a pathogenic variant nor as a benign variant, to our knowledge. This variant is reported with the allele frequency of 0.0004% in the gnomAD Exomes. The amino acid Ala at position 1368 is changed to a Glu changing protein sequence and it might alter its composition and physico-chemical properties. The amino acid change p.Ala1368Glu in TCF20 is predicted as conserved by GERP++ and PhyloP across 100 vertebrates. Multiple lines of computational evidence (Polyphen - Possibly damaging, SIFT - Damaging, and MutationTaster - Disease causing) predict a damaging effect on protein structure and function for this variant. For these reasons, this variant has been classified as Uncertain Significance.